The following is an entry in ClinVar:

ClinVar aggregate classification (germline): Uncertain significance (1 of 4 stars; one submission).

Allele frequency attached by ClinVar (database versions not stated): gnomAD 0.00001; TOPMed 0.00001.
gnomAD v4.1: 3 of 1,613,930 alleles (0.00019%); highest among the groups gnomAD compares: African/African-American, 0.0013%; no homozygotes.

Submission:

GeneDx
Classification: Uncertain significance. Last evaluated: 2017-01-31. Review status: criteria provided, single submitter. Criteria: GeneDx Variant Classification (06012015). Collection method: clinical testing. Allele origin: germline. Affected: yes.
Comment: The R4W variant in the IRF8 gene has not been reported previously as a pathogenic variant, nor as a benign variant, to our knowledge. The R4W variant is not observed in large population cohorts (Lek et al., 2016; 1000 Genomes Consortium et al., 2015; Exome Variant Server). The R4W variant is a non-conservative amino acid substitution, which is likely to impact secondary protein structure as these residues differ in polarity, charge, size and/or other properties. This substitution occurs at a position that is conserved in mammals. In silico analysis is inconsistent in its predictions as to whether or not the variant is damaging to the protein structure/function. We interpret R4W as a variant of uncertain significance.

NM_002163.4(IRF8):c.10C>T (p.Arg4Trp)

Gene: IRF8 (interferon regulatory factor 8; plus strand). Cytogenetic location: 16q24.1.
Variant type: single nucleotide variant.
Coding change: c.10C>T on transcript NM_002163.4 (MANE Select); coding-DNA position 10, C replaced by T.
Protein change: p.Arg4Trp; replaces arginine 4 with tryptophan.
Molecular consequence: missense variant. On other transcripts: 5 prime UTR variant (1).
Genome position (GRCh38, 1-based): chr16:85,903,025, C>T. VCF-style: chr16-85903025-C-T. GRCh37 (hg19) VCF-style: chr16-85936631-C-T.
Other names: c.10C>T (LRG_294t1); c.40C>T, p.Arg14Trp (NM_001363907.1); c.-497C>T (NM_001363908.1); short protein forms R4W, R14W.
Identifiers: ClinVar variation 423144 (VCV000423144.2), dbSNP rs1064796262, ClinGen allele CA16620277.